The following is an entry in ClinVar:

ClinVar aggregate classification (germline): Uncertain significance. Review status: criteria provided, multiple submitters, no conflicts (2 of 4 stars). 2 submissions from 2 submitters: Uncertain significance (2). Last evaluated 2024-06-03.

Conditions:
Steroid-resistant nephrotic syndrome. Identifiers: MedGen C0403397, MONDO:0044765, HP:0012588.

Allele frequency attached by ClinVar (database versions not stated): gnomAD exomes below 0.00001.

Submissions (2):

Labcorp Genetics (formerly Invitae), Labcorp
Classification: Uncertain significance. Last evaluated: 2024-06-03. Review status: criteria provided, single submitter. Criteria: Invitae Variant Classification Sherloc (09022015). Collection method: clinical testing. Allele origin: germline.
Comment: This sequence change replaces proline, which is neutral and non-polar, with serine, which is neutral and polar, at codon 986 of the COL4A4 protein (p.Pro986Ser). This variant is not present in population databases (gnomAD no frequency). This variant has not been reported in the literature in individuals affected with COL4A4-related conditions. ClinVar contains an entry for this variant (Variation ID: 805943). Advanced modeling of protein sequence and biophysical properties (such as structural, functional, and spatial information, amino acid conservation, physicochemical variation, residue mobility, and thermodynamic stability) performed at Invitae indicates that this missense variant is not expected to disrupt COL4A4 protein function with a negative predictive value of 95%. In summary, the available evidence is currently insufficient to determine the role of this variant in disease. Therefore, it has been classified as a Variant of Uncertain Significance.

Diagnostics Division, CENTRE FOR DNA FINGERPRINTING AND DIAGNOSTICS
Classification: Uncertain significance for Steroid-resistant nephrotic syndrome. Last evaluated: 2019-08-17. Review status: criteria provided, single submitter. Criteria: ACMG Guidelines, 2015. Collection method: research. Allele origin: somatic. Inheritance: Autosomal dominant inheritance. Affected: yes. Observed: 1 heterozygote.
Comment: Several studies have reported that the high content of the proline residues are critical for the structure stability and the function of the collagen structure (Krane, S. M.2008, Myllyharju and Kivirikko 2004). Hence, based on the the absence of this variant in the population databases and the previous studies demonstrating the critical role of the Proline for the collagen structure and function can qualify the criteria of Pro986Ser variant to be clinically significant.

NM_000092.5(COL4A4):c.2956C>T (p.Pro986Ser)

Gene: COL4A4 (collagen type IV alpha 4 chain; minus strand). Cytogenetic location: 2q36.3.
Variant type: single nucleotide variant.
Coding change: c.2956C>T on transcript NM_000092.5 (MANE Select); coding-DNA position 2956, C replaced by T.
Protein change: p.Pro986Ser; replaces proline 986 with serine.
Molecular consequence: missense variant.
Genome position (GRCh38, 1-based): chr2:227,052,317, G>A on the plus strand (C>T on the coding strand, the complement: COL4A4 is on the minus strand). VCF-style: chr2-227052317-G-A. GRCh37 (hg19) VCF-style: chr2-227917033-G-A.
Other names: short protein forms P986S.
Identifiers: ClinVar variation 805943 (VCV000805943.9), dbSNP rs1576142052, ClinGen allele CA350839343.
Genomic context (GRCh38, chr2:227,052,317, plus strand): 5'-TAAAAATGTCAACTTATTTGATATGGTTAAAAACTCTTAAGTGTTTACCTCTTTCTCCTG[G>A]GAATCCATCATCTCCAGGAGGTCCAGGTTCCCCAGGTGTTCCCTTTTGTGAAATGATAGC-3'
Protein context (NP_000083.3, residues 976-996): EPGPPGDDGF[Pro986Ser]GERGDKGTPG